The following is an entry in ClinVar:

NM_003482.4(KMT2D):c.15686G>A (p.Arg5229His)

Gene: KMT2D (lysine methyltransferase 2D; minus strand). Cytogenetic location: 12q13.12.
Variant type: single nucleotide variant.
Coding change: c.15686G>A on transcript NM_003482.4 (MANE Select); coding-DNA position 15686, G replaced by A.
Protein change: p.Arg5229His; replaces arginine 5229 with histidine.
Molecular consequence: missense variant.
Genome position (GRCh38, 1-based): chr12:49,026,280, C>T on the plus strand (G>A on the coding strand, the complement: KMT2D is on the minus strand). VCF-style: chr12-49026280-C-T. GRCh37 (hg19) VCF-style: chr12-49420063-C-T.
Other names: short protein forms R5229H.
Identifiers: ClinVar variation 2642932 (VCV002642932.28), dbSNP rs201628357, ClinGen allele CA6545514.
Genomic context (GRCh38, chr12:49,026,280, plus strand): 5'-CCCTGCTCGATGACTTTGATTACAAACTCCGGCCGCCCGTTGTTCTCACCAATAGAACAG[C>T]GATAGCAGCAGCGACGATTGTTGGTGCGGAGGCTCCAATAGATGCGCGTGGCCTCGTAGC-3'
Protein context (NP_003473.3, residues 5219-5239): LRTNNRRCCY[Arg5229His]CSIGENNGRP

ClinVar aggregate classification (germline): Conflicting classifications of pathogenicity. Review status: criteria provided, conflicting classifications (1 of 4 stars). 4 submissions from 4 submitters: Uncertain significance (2); Benign (1); Likely benign (1). Last evaluated 2025-09-20.

Conditions:
Choanal atresia-athelia-hypothyroidism-delayed puberty-short stature syndrome (BCAHH). Also called: BRANCHIAL ARCH ABNORMALITIES, CHOANAL ATRESIA, ATHELIA, HEARING LOSS, AND HYPOTHYROIDISM SYNDROME. Identifiers: Orphanet 589856, MedGen C5680310, MONDO:0035651, OMIM 620186.
Kabuki syndrome 1 (KABUK1). Also called: KMT2D-Related Kabuki Syndrome. Identifiers: Orphanet 2322, MedGen CN030661, MONDO:0007843, OMIM 147920.
KMT2D-related disorder. Also called: KMT2D-Related Disorders.
Kabuki syndrome. Also called: NIIKAWA-KUROKI SYNDROME; Kabuki make-up syndrome. Identifiers: Orphanet 2322, MedGen C0796004, MONDO:0016512.

Allele frequency attached by ClinVar (database versions not stated): gnomAD 0.00003 and 0.00006; TOPMed 0.00003 and 0.00004; gnomAD exomes 0.00004; ESP Exome Variant Server 0.00008.
gnomAD v4.1: 56 of 1,611,488 alleles (0.0035%); highest among the groups gnomAD compares: Non-Finnish European, 0.0045%; no homozygotes.

Submissions (4):

PreventionGenetics, part of Exact Sciences
Classification: Uncertain significance for KMT2D-related condition. Last evaluated: 2025-09-20. Review status: criteria provided, single submitter. Criteria: ACMG Guidelines, 2015. Collection method: clinical testing. Allele origin: germline.
Comment: The KMT2D c.15686G>A variant is predicted to result in the amino acid substitution p.Arg5229His. This variant has been reported in an individual with transposition of the great arteries but without typical features of Kabuki syndrome (De Ita et al. 2022. PubMed ID: 36140829). It has also been reported in an individual with prostate and lung cancer (Mangolini et al. 2022. PubMed ID: 35347810). This variant is reported in 0.0055% of alleles in individuals of European (non-Finnish) descent in gnomAD. At this time, the clinical significance of this variant is uncertain due to the absence of conclusive functional and genetic evidence.

Labcorp Genetics (formerly Invitae), Labcorp
Classification: Benign for Kabuki syndrome. Last evaluated: 2025-08-30. Review status: criteria provided, single submitter. Criteria: Invitae Variant Classification Sherloc (09022015). Collection method: clinical testing. Allele origin: germline.

CeGaT Center for Human Genetics Tuebingen
Classification: Uncertain significance. Last evaluated: 2025-02-01. Review status: criteria provided, single submitter. Criteria: CeGaT Center For Human Genetics Tuebingen Variant Classification Criteria Version 2. Collection method: clinical testing. Allele origin: germline. Affected: yes. Observed: 1 variant allele.

Fulgent Genetics
Classification: Likely benign for Kabuki syndrome 1; Choanal atresia-athelia-hypothyroidism-delayed puberty-short stature syndrome. Last evaluated: 2024-03-11. Review status: criteria provided, single submitter. Criteria: ACMG Guidelines, 2015. Collection method: clinical testing. Allele origin: germline.